The following is an entry in ClinVar:

ClinVar aggregate classification (germline): Uncertain significance (1 of 4 stars; one submission).

Conditions:
Hypertrophic cardiomyopathy 14. Identifiers: MedGen C2750467, MONDO:0013197, OMIM 613251.

Allele frequency attached by ClinVar (database versions not stated): TOPMed below 0.00001; gnomAD 0.00001.
gnomAD v4.1: 1 of 1,614,134 alleles (0.000062%); highest among the groups gnomAD compares: Non-Finnish European, 0.000085%; no homozygotes.

Submission:

Labcorp Genetics (formerly Invitae), Labcorp
Classification: Uncertain significance for Hypertrophic cardiomyopathy 14. Last evaluated: 2017-04-30. Review status: criteria provided, single submitter. Criteria: Invitae Variant Classification Sherloc (09022015). Collection method: clinical testing. Allele origin: germline.
Comment: This sequence change replaces glutamic acid with glutamine at codon 929 of the MYH6 protein (p.Glu929Gln). The glutamic acid residue is moderately conserved and there is a small physicochemical difference between glutamic acid and glutamine. This variant is not present in population databases (ExAC no frequency) and has not been reported in the literature in individuals with a MYH6-related disease. In summary, this variant is a novel missense change with uncertain impact on protein function. It has been classified as a Variant of Uncertain Significance. Algorithms developed to predict the effect of missense changes on protein structure and function do not agree on the potential impact of this missense change (SIFT: "Deleterious"; PolyPhen-2: "Possibly Damaging"; Align-GVGD: "Class C0").

NM_002471.4(MYH6):c.2785G>C (p.Glu929Gln)

Gene: MYH6 (myosin heavy chain 6; minus strand). Cytogenetic location: 14q11.2.
Variant type: single nucleotide variant.
Coding change: c.2785G>C on transcript NM_002471.4 (MANE Select); coding-DNA position 2785, G replaced by C.
Protein change: p.Glu929Gln; replaces glutamic acid 929 with glutamine.
Molecular consequence: missense variant.
Genome position (GRCh38, 1-based): chr14:23,393,809, C>G on the plus strand (G>C on the coding strand, the complement: MYH6 is on the minus strand). VCF-style: chr14-23393809-C-G. GRCh37 (hg19) VCF-style: chr14-23863018-C-G.
Other names: short protein forms E929Q.
Identifiers: ClinVar variation 470518 (VCV000470518.8), dbSNP rs1555333987, ClinGen allele CA389012714.
Genomic context (GRCh38, chr14:23,393,809, plus strand): 5'-ACTCGTCTTCCAGCTTGCGCTTCTTGGCAGTGAGCTCCGCGTTCATCTCCTCCTCATCCT[C>G]CAGCCTCTCATTCATCTCCTTTACTTTGGCCTCCAGCTGAATCTTGTTTTTGATCAGCTG-3'
Protein context (NP_002462.2, residues 919-939): AKVKEMNERL[Glu929Gln]DEEEMNAELT